The following is an entry in ClinVar:

GRCh37/hg19 8q13.3(chr8:71483126-72968323)x1

Genes: EYA1 (EYA transcriptional coactivator and phosphatase 1; minus strand), LACTB2 (lactamase beta 2; minus strand), MSC (musculin; minus strand), TRAM1 (translocation associated membrane protein 1; minus strand), TRPA1 (transient receptor potential cation channel subfamily A member 1; minus strand) and 1 more. Cytogenetic location: 8q13.3.
Variant type: copy number loss.
Change: copy number 1 (one copy instead of two) of chr8:71,483,126-72,968,323 (1.49 Mb, GRCh37 coordinates, 1-based), cytogenetic band 8q13.3.
Identifiers: ClinVar variation 3391903 (VCV003391903.1).

ClinVar aggregate classification (germline): Pathogenic (1 of 4 stars; one submission).

Submission:

Quest Diagnostics Nichols Institute San Juan Capistrano
Classification: Pathogenic. Last evaluated: 2023-11-13. Review status: criteria provided, single submitter. Criteria: ACMG/ClinGen CNV Guidelines, 2019. Collection method: clinical testing. Allele origin: unknown.
Comment: This loss involves multiple protein coding genes, including EYA1 (OMIM 601653). Haploinsufficiency of EYA1 has been associated with autosomal dominant branchiootorenal syndrome (BOR1; OMIM 113650; CCID:007099; Smith 2018). There are no similar copy number losses of this region in the general populations of the Database of Genomic Variants. Thus, this copy number variant (CNV) is classified as pathogenic. References: Smith et al. GeneReviews. [2018 Sep]. PMID 20301554